The following is an entry in ClinVar:

NM_000432.4(MYL2):c.255G>A (p.Met85Ile)

Gene: MYL2 (myosin light chain 2; minus strand). Cytogenetic location: 12q24.11.
Variant type: single nucleotide variant.
Coding change: c.255G>A on transcript NM_000432.4 (MANE Select); coding-DNA position 255, G replaced by A.
Protein change: p.Met85Ile; replaces methionine 85 with isoleucine.
Molecular consequence: missense variant.
Genome position (GRCh38, 1-based): chr12:110,914,205, C>T on the plus strand (G>A on the coding strand, the complement: MYL2 is on the minus strand). VCF-style: chr12-110914205-C-T. GRCh37 (hg19) VCF-style: chr12-111352009-C-T.
Other names: short protein forms M85I.
Identifiers: ClinVar variation 965135 (VCV000965135.10), dbSNP rs1385880379, ClinGen allele CA386698678.

ClinVar aggregate classification (germline): Uncertain significance. Review status: criteria provided, multiple submitters, no conflicts (2 of 4 stars). 2 submissions from 2 submitters: Uncertain significance (2). Last evaluated 2025-03-23.

Conditions:
Cardiovascular phenotype. Identifiers: MedGen CN230736.
Hypertrophic cardiomyopathy 10. Also called: CARDIOMYOPATHY, HYPERTROPHIC, MID-LEFT VENTRICULAR CHAMBER TYPE, 2; MYL2-Related Familial Hypertrophic Cardiomyopathy. Identifiers: MedGen C1834460, MONDO:0012112, OMIM 608758.

Allele frequency attached by ClinVar (database versions not stated): gnomAD exomes below 0.00001; gnomAD 0.00001.
gnomAD v4.1: 1 of 1,613,586 alleles (0.000062%); highest among the groups gnomAD compares: African/African-American, 0.0013%; no homozygotes.

Submissions (2):

Labcorp Genetics (formerly Invitae), Labcorp
Classification: Uncertain significance for Hypertrophic cardiomyopathy 10. Last evaluated: 2025-03-23. Review status: criteria provided, single submitter. Criteria: Invitae Variant Classification Sherloc (09022015). Collection method: clinical testing. Allele origin: germline.
Comment: This sequence change replaces methionine, which is neutral and non-polar, with isoleucine, which is neutral and non-polar, at codon 85 of the MYL2 protein (p.Met85Ile). This variant is present in population databases (no rsID available, gnomAD 0.007%). This variant has not been reported in the literature in individuals affected with MYL2-related conditions. ClinVar contains an entry for this variant (Variation ID: 965135). An algorithm developed to predict the effect of missense changes on protein structure and function (PolyPhen-2) suggests that this variant is likely to be tolerated. In summary, the available evidence is currently insufficient to determine the role of this variant in disease. Therefore, it has been classified as a Variant of Uncertain Significance.

Ambry Genetics
Classification: Uncertain significance for Cardiovascular phenotype. Last evaluated: 2022-05-03. Review status: criteria provided, single submitter. Criteria: Ambry Variant Classification Scheme 2023. Collection method: clinical testing. Allele origin: germline.
Comment: The p.M85I variant (also known as c.255G>A), located in coding exon 4 of the MYL2 gene, results from a G to A substitution at nucleotide position 255. The methionine at codon 85 is replaced by isoleucine, an amino acid with highly similar properties. This amino acid position is highly conserved in available vertebrate species. In addition, this alteration is predicted to be deleterious by in silico analysis. Since supporting evidence is limited at this time, the clinical significance of this alteration remains unclear.